The following is an entry in ClinVar:

ClinVar aggregate classification (germline): Uncertain significance (1 of 4 stars; one submission).

Allele frequency attached by ClinVar (database versions not stated): gnomAD exomes below 0.00001 and 0.00001; gnomAD 0.00001; TOPMed 0.00001; ExAC 0.00004; ESP Exome Variant Server 0.00008.
gnomAD v4.1: 6 of 1,595,184 alleles (0.00038%); highest among the groups gnomAD compares: African/African-American, 0.0013%; no homozygotes.

Submission:

GeneDx
Classification: Uncertain significance. Last evaluated: 2020-01-08. Review status: criteria provided, single submitter. Criteria: GeneDx Variant Classification Process June 2021. Collection method: clinical testing. Allele origin: germline. Affected: yes.
Comment: Not observed at a significant frequency in large population cohorts (Lek et al., 2016); In silico analysis, which includes protein predictors and evolutionary conservation, supports a deleterious effect; Has not been previously published as pathogenic or benign to our knowledge

NM_013335.4(GMPPA):c.953G>A (p.Arg318Gln)

Genes: ASIC4-AS1 (ASIC4 antisense RNA 1; minus strand), GMPPA (GDP-mannose pyrophosphorylase A; plus strand). Cytogenetic location: 2q35.
Variant type: single nucleotide variant.
Coding change: c.953G>A on transcript NM_013335.4 (MANE Select); coding-DNA position 953, G replaced by A.
Protein change: p.Arg318Gln; replaces arginine 318 with glutamine.
Molecular consequence: missense variant.
Genome position (GRCh38, 1-based): chr2:219,506,032, G>A. VCF-style: chr2-219506032-G-A. GRCh37 (hg19) VCF-style: chr2-220370754-G-A.
Other names: c.953G>A, p.Arg318Gln (NM_001374294.1, NM_001374295.1, NM_205847.3); short protein forms R318Q.
Identifiers: ClinVar variation 1308616 (VCV001308616.2), dbSNP rs149492263, ClinGen allele CA2128370.